The following is an entry in ClinVar:

NM_001184.4(ATR):c.1885+1G>T

Gene: ATR (ATR checkpoint kinase; minus strand). Cytogenetic location: 3q23.
Variant type: single nucleotide variant.
Coding change: c.1885+1G>T on transcript NM_001184.4 (MANE Select); the canonical splice donor site of the intron after coding-DNA position 1885, G replaced by T.
Molecular consequence: splice donor variant.
Genome position (GRCh38, 1-based): chr3:142,558,623, C>A on the plus strand (G>T on the coding strand, the complement: ATR is on the minus strand). VCF-style: chr3-142558623-C-A. GRCh37 (hg19) VCF-style: chr3-142277465-C-A.
Other names: c.1693+1G>T (NM_001354579.2).
Identifiers: ClinVar variation 2737734 (VCV002737734.3), dbSNP rs2034767360, ClinGen allele CA354820664.

ClinVar aggregate classification (germline): Likely pathogenic (1 of 4 stars; one submission).

Submission:

Labcorp Genetics (formerly Invitae), Labcorp
Classification: Likely pathogenic. Last evaluated: 2024-03-15. Review status: criteria provided, single submitter. Criteria: Invitae Variant Classification Sherloc (09022015). Collection method: clinical testing. Allele origin: germline.
Comment: This sequence change affects a donor splice site in intron 8 of the ATR gene. It is expected to disrupt RNA splicing. Variants that disrupt the donor or acceptor splice site typically lead to a loss of protein function (PMID: 16199547), and loss-of-function variants in ATR are known to be pathogenic (PMID: 21228398, 23144622). This variant is not present in population databases (gnomAD no frequency). This variant has not been reported in the literature in individuals affected with ATR-related conditions. Algorithms developed to predict the effect of sequence changes on RNA splicing suggest that this variant may disrupt the consensus splice site. In summary, the currently available evidence indicates that the variant is pathogenic, but additional data are needed to prove that conclusively. Therefore, this variant has been classified as Likely Pathogenic.

Literature cited by the submitters: PubMed 16199547; PubMed 21228398; PubMed 23144622.